The following is an entry in ClinVar:

ClinVar aggregate classification (germline): Uncertain significance (1 of 4 stars; one submission).

Conditions:
Idiopathic generalized epilepsy. Also called: Generalised epilepsy; EIG. Identifiers: MedGen C0270850, MONDO:0005579, OMIM 600669.
Hyperaldosteronism, familial, type IV (HALD4). Also called: FH IV; ALDOSTERONISM, PRIMARY, AND HYPERTENSION. Identifiers: Orphanet 642671, MedGen C4310756, MONDO:0014875, OMIM 617027.

Allele frequency attached by ClinVar (database versions not stated): gnomAD exomes below 0.00001.
gnomAD v4.1: 1 of 1,589,242 alleles (0.000063%); highest among the groups gnomAD compares: Non-Finnish European, 0.000086%; no homozygotes.

Submission:

Labcorp Genetics (formerly Invitae), Labcorp
Classification: Uncertain significance for Idiopathic generalized epilepsy; Hyperaldosteronism, familial, type IV. Last evaluated: 2023-07-13. Review status: criteria provided, single submitter. Criteria: Invitae Variant Classification Sherloc (09022015). Collection method: clinical testing. Allele origin: germline.
Comment: In summary, the available evidence is currently insufficient to determine the role of this variant in disease. Therefore, it has been classified as a Variant of Uncertain Significance. Algorithms developed to predict the effect of sequence changes on RNA splicing suggest that this variant may create or strengthen a splice site. Advanced modeling of protein sequence and biophysical properties (such as structural, functional, and spatial information, amino acid conservation, physicochemical variation, residue mobility, and thermodynamic stability) performed at Invitae indicates that this missense variant is expected to disrupt CACNA1H protein function. This variant has not been reported in the literature in individuals affected with CACNA1H-related conditions. This variant is not present in population databases (gnomAD no frequency). This sequence change replaces methionine, which is neutral and non-polar, with isoleucine, which is neutral and non-polar, at codon 934 of the CACNA1H protein (p.Met934Ile).

NM_021098.3(CACNA1H):c.2802G>T (p.Met934Ile)

Gene: CACNA1H (calcium voltage-gated channel subunit alpha1 H; plus strand). Cytogenetic location: 16p13.3.
Variant type: single nucleotide variant.
Coding change: c.2802G>T on transcript NM_021098.3 (MANE Select); coding-DNA position 2802, G replaced by T.
Protein change: p.Met934Ile; replaces methionine 934 with isoleucine.
Molecular consequence: missense variant.
Genome position (GRCh38, 1-based): chr16:1,207,013, G>T. VCF-style: chr16-1207013-G-T. GRCh37 (hg19) VCF-style: chr16-1257013-G-T.
Other names: c.2802G>T, p.Met934Ile (NM_001005407.2); short protein forms M934I.
Identifiers: ClinVar variation 2926151 (VCV002926151.3), dbSNP rs1259176288, ClinGen allele CA394169984.